The following is an entry in ClinVar:

NM_000316.3(PTH1R):c.1768G>A (p.Glu590Lys)

Gene: PTH1R (parathyroid hormone 1 receptor; plus strand). Cytogenetic location: 3p21.31.
Variant type: single nucleotide variant.
Coding change: c.1768G>A on transcript NM_000316.3 (MANE Select); coding-DNA position 1768, G replaced by A.
Protein change: p.Glu590Lys; replaces glutamic acid 590 with lysine.
Molecular consequence: missense variant.
Genome position (GRCh38, 1-based): chr3:46,903,642, G>A. VCF-style: chr3-46903642-G-A. GRCh37 (hg19) VCF-style: chr3-46945132-G-A.
Other names: c.1768G>A, p.Glu590Lys (NM_001184744.1); short protein forms E590K.
Identifiers: ClinVar variation 2414327 (VCV002414327.6), dbSNP rs2032270793, ClinGen allele CA352504246.
Genomic context (GRCh38, chr3:46,903,642, plus strand): 5'-GGCCTGGACGAGGAGGCCTCTGGGCCTGAGCGGCCACCTGCCCTGCTACAGGAAGAGTGG[G>A]AGACAGTCATGTGACCAGGCGCTGGGGGCTGGACCTGCTGACATAGTGGATGGACAGATG-3'
Protein context (NP_000307.1, residues 580-593): RPPALLQEEW[Glu590Lys]TVM

ClinVar aggregate classification (germline): Uncertain significance (1 of 4 stars; one submission).

Allele frequency attached by ClinVar (database versions not stated): gnomAD exomes below 0.00001; TOPMed below 0.00001.

Submission:

Labcorp Genetics (formerly Invitae), Labcorp
Classification: Uncertain significance. Last evaluated: 2022-08-27. Review status: criteria provided, single submitter. Criteria: Invitae Variant Classification Sherloc (09022015). Collection method: clinical testing. Allele origin: germline.
Comment: In summary, the available evidence is currently insufficient to determine the role of this variant in disease. Therefore, it has been classified as a Variant of Uncertain Significance. Algorithms developed to predict the effect of missense changes on protein structure and function (SIFT, PolyPhen-2, Align-GVGD) all suggest that this variant is likely to be disruptive. This variant has not been reported in the literature in individuals affected with PTH1R-related conditions. This variant is not present in population databases (gnomAD no frequency). This sequence change replaces glutamic acid, which is acidic and polar, with lysine, which is basic and polar, at codon 590 of the PTH1R protein (p.Glu590Lys).